The following is an entry in ClinVar:

NM_003200.5(TCF3):c.16A>G (p.Arg6Gly)

Gene: TCF3 (transcription factor 3; minus strand). Cytogenetic location: 19p13.3.
Variant type: single nucleotide variant.
Coding change: c.16A>G on transcript NM_003200.5 (MANE Select); coding-DNA position 16, A replaced by G.
Protein change: p.Arg6Gly; replaces arginine 6 with glycine.
Molecular consequence: missense variant.
Genome position (GRCh38, 1-based): chr19:1,650,233, T>C on the plus strand (A>G on the coding strand, the complement: TCF3 is on the minus strand). VCF-style: chr19-1650233-T-C. GRCh37 (hg19) VCF-style: chr19-1650232-T-C.
Other names: c.16A>G, p.Arg6Gly (NM_001136139.4, NM_001351778.2, NM_001351779.2); c.16A>G (NM_003200.3); short protein forms R6G.
Identifiers: ClinVar variation 1434230 (VCV001434230.7), dbSNP rs371323214, ClinGen allele CA9050616.

ClinVar aggregate classification (germline): Uncertain significance. Review status: criteria provided, single submitter (1 of 4 stars). 2 submissions from 2 submitters: Uncertain significance (1). 1 of the submissions does not count toward it. Last evaluated 2025-10-23.

Conditions:
TCF3-related disorder. Also called: TCF3-related condition.

Allele frequency attached by ClinVar (database versions not stated): gnomAD exomes 0.00008 and 0.00013; gnomAD 0.00023 and 0.00024; ExAC 0.00025; TOPMed 0.00026; 1000 Genomes Project 30x 0.00031; ESP Exome Variant Server 0.00031; 1000 Genomes Project 0.00040.
gnomAD v4.1: 150 of 1,568,366 alleles (0.0096%); highest among the groups gnomAD compares: Middle Eastern, 0.067%; no homozygotes.

Submissions (2):

Labcorp Genetics (formerly Invitae), Labcorp
Classification: Uncertain significance. Last evaluated: 2025-10-23. Review status: criteria provided, single submitter. Criteria: Invitae Variant Classification Sherloc (09022015). Collection method: clinical testing. Allele origin: germline.
Comment: This sequence change replaces arginine, which is basic and polar, with glycine, which is neutral and non-polar, at codon 6 of the TCF3 protein (p.Arg6Gly). This variant is present in population databases (rs371323214, gnomAD 0.07%). This variant has not been reported in the literature in individuals affected with TCF3-related conditions. ClinVar contains an entry for this variant (Variation ID: 1434230). Experimental studies and prediction algorithms are not available or were not evaluated, and the functional significance of this variant is currently unknown. In summary, the available evidence is currently insufficient to determine the role of this variant in disease. Therefore, it has been classified as a Variant of Uncertain Significance.

PreventionGenetics, part of Exact Sciences
Classification: Uncertain significance for TCF3-related condition. Last evaluated: 2024-08-24. Review status: no assertion criteria provided. Collection method: clinical testing. Allele origin: germline. Not counted in ClinVar's aggregate classification.
Comment: The TCF3 c.16A>G variant is predicted to result in the amino acid substitution p.Arg6Gly. To our knowledge, this variant has not been reported in the literature. This variant is reported in 0.071% of alleles in individuals of African descent in gnomAD, which may be too common to be causative. Although we suspect that this variant may be benign, at this time, the clinical significance of this variant is uncertain due to the absence of conclusive functional and genetic evidence.